The following is an entry in ClinVar:

NM_015021.3(ZNF292):c.7681G>T (p.Val2561Leu)

Gene: ZNF292 (zinc finger protein 292; plus strand). Cytogenetic location: 6q14.3.
Variant type: single nucleotide variant.
Coding change: c.7681G>T on transcript NM_015021.3 (MANE Select); coding-DNA position 7681, G replaced by T.
Protein change: p.Val2561Leu; replaces valine 2561 with leucine.
Molecular consequence: missense variant.
Genome position (GRCh38, 1-based): chr6:87,261,310, G>T. VCF-style: chr6-87261310-G-T. GRCh37 (hg19) VCF-style: chr6-87971028-G-T.
Other names: c.7261G>T, p.Val2421Leu (NM_001351444.2); short protein forms V2421L, V2561L.
Identifiers: ClinVar variation 5041649 (VCV005041649.1).

ClinVar aggregate classification (germline): Uncertain significance (1 of 4 stars; one submission).

Submission:

CeGaT Center for Human Genetics Tuebingen
Classification: Uncertain significance. Last evaluated: 2026-09-01. Review status: criteria provided, single submitter. Criteria: CeGaT Center For Human Genetics Tuebingen Variant Classification Criteria Version 2. Collection method: clinical testing. Allele origin: germline. Affected: yes. Observed: 1 variant allele.
Comment: ZNF292: PM2, BP4